The following is an entry in ClinVar:

ClinVar aggregate classification (germline): Likely benign (1 of 4 stars; one submission).

Submission:

CeGaT Center for Human Genetics Tuebingen
Classification: Likely benign. Last evaluated: 2026-01-01. Review status: criteria provided, single submitter. Criteria: CeGaT Center For Human Genetics Tuebingen Variant Classification Criteria Version 2. Collection method: clinical testing. Allele origin: germline. Affected: yes. Observed: 1 variant allele.
Comment: SPEN: BP4, BP7

NM_015001.3(SPEN):c.631C>T (p.Leu211=)

Gene: SPEN (spen family transcriptional repressor; plus strand). Cytogenetic location: 1p36.21.
Variant type: single nucleotide variant.
Coding change: c.631C>T on transcript NM_015001.3 (MANE Select); coding-DNA position 631, C replaced by T.
Protein change: p.Leu211=; no amino-acid change (leucine 211 retained).
Molecular consequence: synonymous variant.
Genome position (GRCh38, 1-based): chr1:15,876,428, C>T. VCF-style: chr1-15876428-C-T. GRCh37 (hg19) VCF-style: chr1-16202923-C-T.
Identifiers: ClinVar variation 4822180 (VCV004822180.4).